The following is an entry in ClinVar:

NM_015910.7(WDPCP):c.75+1G>T

Gene: WDPCP (WD repeat containing planar cell polarity effector; minus strand). Cytogenetic location: 2p15.
Variant type: single nucleotide variant.
Coding change: c.75+1G>T on transcript NM_015910.7 (MANE Select); the canonical splice donor site of the intron after coding-DNA position 75, G replaced by T.
Molecular consequence: splice donor variant.
Genome position (GRCh38, 1-based): chr2:63,588,196, C>A on the plus strand (G>T on the coding strand, the complement: WDPCP is on the minus strand). VCF-style: chr2-63588196-C-A. GRCh37 (hg19) VCF-style: chr2-63815330-C-A.
Other names: c.-250+1G>T (NM_001354044.2); c.75+1G>T (NM_001354045.2).
Identifiers: ClinVar variation 1066952 (VCV001066952.7), dbSNP rs1486299333, ClinGen allele CA347066512.

ClinVar aggregate classification (germline): Likely pathogenic (1 of 4 stars; one submission).

Conditions:
Bardet-Biedl syndrome (BBS). Identifiers: Orphanet 110, MedGen C0752166, MONDO:0015229.

gnomAD v4.1: 1 of 1,565,906 alleles (0.000064%); highest among the groups gnomAD compares: Non-Finnish European, 0.000087%; no homozygotes.

Submission:

Labcorp Genetics (formerly Invitae), Labcorp
Classification: Likely pathogenic for Bardet-Biedl syndrome. Last evaluated: 2020-03-17. Review status: criteria provided, single submitter. Criteria: Invitae Variant Classification Sherloc (09022015). Collection method: clinical testing. Allele origin: germline.
Comment: In summary, the currently available evidence indicates that the variant is pathogenic, but additional data are needed to prove that conclusively. Therefore, this variant has been classified as Likely Pathogenic. Donor and acceptor splice site variants typically lead to a loss of protein function (PMID: 16199547), and loss-of-function variants in WDPCP are known to be pathogenic (PMID: 20671153). This variant has not been reported in the literature in individuals with WDPCP-related conditions. This variant is not present in population databases (ExAC no frequency). This sequence change affects a donor splice site in intron 1 of the WDPCP gene. It is expected to disrupt RNA splicing and likely results in an absent or disrupted protein product.

Literature cited by the submitters: PubMed 16199547; PubMed 20671153.